The following is an entry in ClinVar:

NM_004646.4(NPHS1):c.1316-1G>C

Gene: NPHS1 (NPHS1 adhesion molecule, nephrin; minus strand). Cytogenetic location: 19q13.12.
Variant type: single nucleotide variant.
Coding change: c.1316-1G>C on transcript NM_004646.4 (MANE Select); the canonical splice acceptor site of the intron before coding-DNA position 1316, G replaced by C.
Molecular consequence: splice acceptor variant.
Genome position (GRCh38, 1-based): chr19:35,848,166, C>G on the plus strand (G>C on the coding strand, the complement: NPHS1 is on the minus strand). VCF-style: chr19-35848166-C-G. GRCh37 (hg19) VCF-style: chr19-36339068-C-G.
Identifiers: ClinVar variation 958879 (VCV000958879.9), dbSNP rs1973171785, ClinGen allele CA405404643.

ClinVar aggregate classification (germline): Likely pathogenic. Review status: criteria provided, single submitter (1 of 4 stars). 2 submissions from 2 submitters: Likely pathogenic (1). 1 of the submissions does not count toward it. Last evaluated 2019-11-16.

Conditions:
Finnish congenital nephrotic syndrome (NPHS1). Also called: NEPHROTIC SYNDROME, TYPE 1. Identifiers: Orphanet 839, MedGen C0403399, MONDO:0009732, OMIM 256300.

Submissions (2):

Labcorp Genetics (formerly Invitae), Labcorp
Classification: Likely pathogenic. Last evaluated: 2019-11-16. Review status: criteria provided, single submitter. Criteria: Invitae Variant Classification Sherloc (09022015). Collection method: clinical testing. Allele origin: germline.
Comment: In summary, the currently available evidence indicates that the variant is pathogenic, but additional data are needed to prove that conclusively. Therefore, this variant has been classified as Likely Pathogenic. Donor and acceptor splice site variants typically lead to a loss of protein function (PMID: 16199547), and loss-of-function variants in NPHS1 are known to be pathogenic (PMID: 11317351, 11854170, 12039988). Algorithms developed to predict the effect of sequence changes on RNA splicing suggest that this variant may disrupt the consensus splice site, but this prediction has not been confirmed by published transcriptional studies. This variant has not been reported in the literature in individuals with NPHS1-related conditions. This variant is not present in population databases (ExAC no frequency). This sequence change affects an acceptor splice site in intron 10 of the NPHS1 gene. It is expected to disrupt RNA splicing and likely results in an absent or disrupted protein product.

Natera, Inc.
Classification: Likely pathogenic for Finnish congenital nephrotic syndrome. Last evaluated: 2020-02-24. Review status: no assertion criteria provided. Collection method: clinical testing. Allele origin: germline. Not counted in ClinVar's aggregate classification.

Literature cited by the submitters: PubMed 16199547 (cited by Labcorp Genetics (formerly Invitae), Labcorp); PubMed 11317351 (cited by Labcorp Genetics (formerly Invitae), Labcorp); PubMed 11854170 (cited by Labcorp Genetics (formerly Invitae), Labcorp); PubMed 12039988 (cited by Labcorp Genetics (formerly Invitae), Labcorp).